The following is an entry in ClinVar:

NM_001184880.2(PCDH19):c.1031C>A (p.Pro344Gln)

Gene: PCDH19 (protocadherin 19; minus strand). Cytogenetic location: Xq22.1.
Variant type: single nucleotide variant.
Coding change: c.1031C>A on transcript NM_001184880.2 (MANE Select); coding-DNA position 1031, C replaced by A.
Protein change: p.Pro344Gln; replaces proline 344 with glutamine.
Molecular consequence: missense variant.
Genome position (GRCh38, 1-based): chrX:100,407,567, G>T on the plus strand (C>A on the coding strand, the complement: PCDH19 is on the minus strand). VCF-style: chrX-100407567-G-T. GRCh37 (hg19) VCF-style: chrX-99662565-G-T.
Other names: c.1031C>A, p.Pro344Gln (NM_001105243.2, NM_020766.3); short protein forms P344Q.
Identifiers: ClinVar variation 647613 (VCV000647613.8), dbSNP rs796052811, ClinGen allele CA414004648.
Genomic context (GRCh38, chrX:100,407,567, plus strand): 5'-GGGGGGGCGCTCTCGCTGACCTCCACAAGCTCACTGTTGACTGACAGCAGGTTGATGACC[G>T]GCGGATTGTCATTGGTGTCCAGCACGCTGACGGTGACCTTGCAGTGTGCCGGGATGGAAT-3'
Protein context (NP_001171809.1, residues 334-354): VSVLDTNDNP[Pro344Gln]VINLLSVNSE

ClinVar aggregate classification (germline): Likely pathogenic. Review status: criteria provided, multiple submitters, no conflicts (2 of 4 stars). 2 submissions from 2 submitters: Likely pathogenic (2). Last evaluated 2022-07-12.

Conditions:
Developmental and epileptic encephalopathy, 9 (DEE9). Also called: EPILEPSY, FEMALE-RESTRICTED, WITH MENTAL RETARDATION; Early infantile epileptic encephalopathy 9; PCDH19-Related X-Linked Female-Limited Epilepsy with Mental Retardation; JUBERG-HELLMAN SYNDROME. Identifiers: Orphanet 101039, Orphanet 2076, MedGen C1848137, MONDO:0010246, OMIM 300088. Disease mechanism: loss of function.

Submissions (2):

Labcorp Genetics (formerly Invitae), Labcorp
Classification: Likely pathogenic for Developmental and epileptic encephalopathy, 9. Last evaluated: 2022-07-12. Review status: criteria provided, single submitter. Criteria: Invitae Variant Classification Sherloc (09022015). Collection method: clinical testing. Allele origin: germline.
Comment: This variant is not present in population databases (gnomAD no frequency). This sequence change replaces proline, which is neutral and non-polar, with glutamine, which is neutral and polar, at codon 344 of the PCDH19 protein (p.Pro344Gln). This variant has not been reported in the literature in individuals affected with PCDH19-related conditions. In summary, the currently available evidence indicates that the variant is pathogenic, but additional data are needed to prove that conclusively. Therefore, this variant has been classified as Likely Pathogenic. This variant disrupts the p.Pro344 amino acid residue in PCDH19. Other variant(s) that disrupt this residue have been determined to be pathogenic (PMID: 23334464). This suggests that this residue is clinically significant, and that variants that disrupt this residue are likely to be disease-causing. Algorithms developed to predict the effect of sequence changes on RNA splicing suggest that this variant may create or strengthen a splice site. Advanced modeling of protein sequence and biophysical properties (such as structural, functional, and spatial information, amino acid conservation, physicochemical variation, residue mobility, and thermodynamic stability) performed at Invitae indicates that this missense variant is expected to disrupt PCDH19 protein function. ClinVar contains an entry for this variant (Variation ID: 647613).

GeneDx
Classification: Likely pathogenic. Last evaluated: 2021-11-22. Review status: criteria provided, single submitter. Criteria: GeneDx Variant Classification Process June 2021. Collection method: clinical testing. Allele origin: germline. Affected: yes.
Comment: Not observed at significant frequency in large population cohorts (gnomAD); Missense variants in this gene are often considered pathogenic (HGMD); In silico analysis supports that this missense variant has a deleterious effect on protein structure/function; Has not been previously published as pathogenic or benign to our knowledge

Literature cited by the submitters: PubMed 23334464 (cited by Labcorp Genetics (formerly Invitae), Labcorp).